The following is an entry in ClinVar:

NM_006306.4(SMC1A):c.641A>G (p.Asp214Gly)

Gene: SMC1A (structural maintenance of chromosomes 1A; minus strand). Cytogenetic location: Xp11.22.
Variant type: single nucleotide variant.
Coding change: c.641A>G on transcript NM_006306.4 (MANE Select); coding-DNA position 641, A replaced by G.
Protein change: p.Asp214Gly; replaces aspartic acid 214 with glycine.
Molecular consequence: missense variant.
Genome position (GRCh38, 1-based): chrX:53,413,113, T>C on the plus strand (A>G on the coding strand, the complement: SMC1A is on the minus strand). VCF-style: chrX-53413113-T-C. GRCh37 (hg19) VCF-style: chrX-53440063-T-C.
Other names: c.575A>G, p.Asp192Gly (NM_001281463.1); c.641A>G (NM_006306.2); short protein forms D192G, D214G.
Identifiers: ClinVar variation 2143477 (VCV002143477.6), dbSNP rs1001684337, ClinGen allele CA329907612.

ClinVar aggregate classification (germline): Uncertain significance. Review status: criteria provided, multiple submitters, no conflicts (2 of 4 stars). 3 submissions from 3 submitters: Uncertain significance (3). Last evaluated 2025-09-09.

Conditions:
Congenital muscular hypertrophy-cerebral syndrome (CDLS2). Also called: SMC1A-Related Cornelia de Lange Syndrome; Cornelia de Lange syndrome 2. Identifiers: Orphanet 199, MedGen C1802395, MONDO:0010370, OMIM 300590.
Inborn genetic diseases. Identifiers: MedGen C0950123, MeSH D030342.

Allele frequency attached by ClinVar (database versions not stated): gnomAD exomes 0.00004.
gnomAD v4.1: 46 of 1,211,625 alleles (0.0038%); highest among the groups gnomAD compares: Non-Finnish European, 0.005%; no homozygotes.

Submissions (3):

Ambry Genetics
Classification: Uncertain significance for Inborn genetic diseases. Last evaluated: 2025-09-09. Review status: criteria provided, single submitter. Criteria: Ambry Variant Classification Scheme 2023. Collection method: clinical testing. Allele origin: germline.

Labcorp Genetics (formerly Invitae), Labcorp
Classification: Uncertain significance for Congenital muscular hypertrophy-cerebral syndrome. Last evaluated: 2025-07-30. Review status: criteria provided, single submitter. Criteria: Invitae Variant Classification Sherloc (09022015). Collection method: clinical testing. Allele origin: germline.
Comment: This sequence change replaces aspartic acid, which is acidic and polar, with glycine, which is neutral and non-polar, at codon 214 of the SMC1A protein (p.Asp214Gly). This variant is not present in population databases (gnomAD no frequency). This variant has not been reported in the literature in individuals affected with SMC1A-related conditions. ClinVar contains an entry for this variant (Variation ID: 2143477). Invitae Evidence Modeling of protein sequence and biophysical properties (such as structural, functional, and spatial information, amino acid conservation, physicochemical variation, residue mobility, and thermodynamic stability) indicates that this missense variant is not expected to disrupt SMC1A protein function with a negative predictive value of 80%. In summary, the available evidence is currently insufficient to determine the role of this variant in disease. Therefore, it has been classified as a Variant of Uncertain Significance.

Blueprint Genetics
Classification: Uncertain significance. Last evaluated: 2020-02-11. Review status: criteria provided, single submitter. Criteria: ACMG Guidelines, 2015. Collection method: clinical testing. Allele origin: germline.